The following is an entry in ClinVar:

ClinVar aggregate classification (germline): Uncertain significance (1 of 4 stars; one submission).

Conditions:
Perlman syndrome (PRLMNS). Identifiers: Orphanet 2849, MedGen C0796113, MONDO:0009965, OMIM 267000.

Allele frequency attached by ClinVar (database versions not stated): gnomAD exomes below 0.00001; TOPMed below 0.00001; gnomAD 0.00001.
gnomAD v4.1: 4 of 1,611,564 alleles (0.00025%); highest among the groups gnomAD compares: Admixed American, 0.005%; no homozygotes.

Submission:

Labcorp Genetics (formerly Invitae), Labcorp
Classification: Uncertain significance for Perlman syndrome. Last evaluated: 2023-09-05. Review status: criteria provided, single submitter. Criteria: Invitae Variant Classification Sherloc (09022015). Collection method: clinical testing. Allele origin: germline.
Comment: In summary, the available evidence is currently insufficient to determine the role of this variant in disease. Therefore, it has been classified as a Variant of Uncertain Significance. RNA analysis performed to evaluate the impact of this missense change on mRNA splicing indicates it does not significantly alter splicing (Invitae). Advanced modeling of protein sequence and biophysical properties (such as structural, functional, and spatial information, amino acid conservation, physicochemical variation, residue mobility, and thermodynamic stability) has been performed at Invitae for this missense variant, however the output from this modeling did not meet the statistical confidence thresholds required to predict the impact of this variant on DIS3L2 protein function. ClinVar contains an entry for this variant (Variation ID: 531953). This variant has not been reported in the literature in individuals affected with DIS3L2-related conditions. This variant is not present in population databases (gnomAD no frequency). This sequence change replaces proline, which is neutral and non-polar, with alanine, which is neutral and non-polar, at codon 602 of the DIS3L2 protein (p.Pro602Ala).

NM_152383.5(DIS3L2):c.1804C>G (p.Pro602Ala)

Gene: DIS3L2 (DIS3 like 3'-5' exoribonuclease 2; plus strand). Cytogenetic location: 2q37.1.
Variant type: single nucleotide variant.
Coding change: c.1804C>G on transcript NM_152383.5 (MANE Select); coding-DNA position 1804, C replaced by G.
Protein change: p.Pro602Ala; replaces proline 602 with alanine.
Molecular consequence: missense variant. On other transcripts: intron variant (1).
Genome position (GRCh38, 1-based): chr2:232,329,877, C>G. VCF-style: chr2-232329877-C-G. GRCh37 (hg19) VCF-style: chr2-233194587-C-G.
Other names: c.1582-13468C>G (NM_001257281.2); short protein forms P602A.
Identifiers: ClinVar variation 531953 (VCV000531953.8), dbSNP rs1553550758, ClinGen allele CA350976055.
Genomic context (GRCh38, chr2:232,329,877, plus strand): 5'-GTGGAGGAGTTCATGCTCTTGGCCAACATGGCAGTGGCCCACAAGATCCACCGCGCCTTC[C>G]CCGAGCAGGCCCTGCTGCGCCGGCACCCCCCGCCCCAAACAAGGATGCTCAGTGACCTGG-3'
Protein context (NP_689596.4, residues 592-612): AVAHKIHRAF[Pro602Ala]EQALLRRHPP